The following is an entry in ClinVar:

ClinVar aggregate classification (germline): Uncertain significance (1 of 4 stars; one submission).

Conditions:
PLXNB1-related disorder. Also called: PLXNB1-related condition.

gnomAD v4.1: 4 of 1,613,782 alleles (0.00025%); highest among the groups gnomAD compares: Admixed American, 0.0033%; no homozygotes.

Submission:

PreventionGenetics, part of Exact Sciences
Classification: Uncertain significance for PLXNB1-related condition. Last evaluated: 2023-06-21. Review status: criteria provided, single submitter. Criteria: ACMG Guidelines, 2015. Collection method: clinical testing. Allele origin: germline.
Comment: The PLXNB1 c.908C>T variant is predicted to result in the amino acid substitution p.Pro303Leu. To our knowledge, this variant has not been reported in the literature. This variant is reported in 0.0029% of alleles in individuals of Latino descent in gnomAD. At this time, the clinical significance of this variant is uncertain due to the absence of conclusive functional and genetic evidence.

NM_001130082.3(PLXNB1):c.908C>T (p.Pro303Leu)

Gene: PLXNB1 (plexin B1; minus strand). Cytogenetic location: 3p21.31.
Variant type: single nucleotide variant.
Coding change: c.908C>T on transcript NM_001130082.3 (MANE Select); coding-DNA position 908, C replaced by T.
Protein change: p.Pro303Leu; replaces proline 303 with leucine.
Molecular consequence: missense variant.
Genome position (GRCh38, 1-based): chr3:48,423,704, G>A on the plus strand (C>T on the coding strand, the complement: PLXNB1 is on the minus strand). VCF-style: chr3-48423704-G-A. GRCh37 (hg19) VCF-style: chr3-48465113-G-A.
Other names: c.908C>T, p.Pro303Leu (NM_002673.6); short protein forms P303L.
Identifiers: ClinVar variation 2636698 (VCV002636698.1), dbSNP rs188697214, ClinGen allele CA73947937.